The following is an entry in ClinVar:

ClinVar aggregate classification (germline): Uncertain significance (1 of 4 stars; one submission).

Allele frequency attached by ClinVar (database versions not stated): gnomAD 0.00001; ExAC 0.00002; 1000 Genomes Project 0.00020; 1000 Genomes Project 30x 0.00031.

Submission:

Labcorp Genetics (formerly Invitae), Labcorp
Classification: Uncertain significance. Last evaluated: 2023-11-03. Review status: criteria provided, single submitter. Criteria: Invitae Variant Classification Sherloc (09022015). Collection method: clinical testing. Allele origin: germline.
Comment: This sequence change replaces arginine, which is basic and polar, with histidine, which is basic and polar, at codon 90 of the APOA4 protein (p.Arg90His). This variant is present in population databases (rs561416907, gnomAD 0.0009%). This variant has not been reported in the literature in individuals affected with APOA4-related conditions. Advanced modeling of protein sequence and biophysical properties (such as structural, functional, and spatial information, amino acid conservation, physicochemical variation, residue mobility, and thermodynamic stability) performed at Invitae indicates that this missense variant is not expected to disrupt APOA4 protein function with a negative predictive value of 80%. In summary, the available evidence is currently insufficient to determine the role of this variant in disease. Therefore, it has been classified as a Variant of Uncertain Significance.

NM_000482.4(APOA4):c.269G>A (p.Arg90His)

Gene: APOA4 (apolipoprotein A4; minus strand). Cytogenetic location: 11q23.3.
Variant type: single nucleotide variant.
Coding change: c.269G>A on transcript NM_000482.4 (MANE Select); coding-DNA position 269, G replaced by A.
Protein change: p.Arg90His; replaces arginine 90 with histidine.
Molecular consequence: missense variant.
Genome position (GRCh38, 1-based): chr11:116,821,789, C>T on the plus strand (G>A on the coding strand, the complement: APOA4 is on the minus strand). VCF-style: chr11-116821789-C-T. GRCh37 (hg19) VCF-style: chr11-116692505-C-T.
Other names: short protein forms R90H.
Identifiers: ClinVar variation 2706782 (VCV002706782.3), dbSNP rs561416907, ClinGen allele CA6289470.
Genomic context (GRCh38, chr11:116,821,789, plus strand): 5'-CTCAGCTCCTCCAGCTCCTTCCCAATCTCCTCCTTCAGTTTCTCCGAGTCCTTGGCCAGG[C>T]GTTCATGCAGCTCGGTGGCAAAGGGCACCAGCTTCTTCTGCAGGTCACCTGCGTAAGTGT-3'
Protein context (NP_000473.2, residues 80-100): LVPFATELHE[Arg90His]LAKDSEKLKE